The following is an entry in ClinVar:

NM_001184880.2(PCDH19):c.3130T>C (p.Cys1044Arg)

Gene: PCDH19 (protocadherin 19; minus strand). Cytogenetic location: Xq22.1.
Variant type: single nucleotide variant.
Coding change: c.3130T>C on transcript NM_001184880.2 (MANE Select); coding-DNA position 3130, T replaced by C.
Protein change: p.Cys1044Arg; replaces cysteine 1044 with arginine.
Molecular consequence: missense variant.
Genome position (GRCh38, 1-based): chrX:100,296,594, A>G on the plus strand (T>C on the coding strand, the complement: PCDH19 is on the minus strand). VCF-style: chrX-100296594-A-G. GRCh37 (hg19) VCF-style: chrX-99551592-A-G.
Other names: c.2989T>C, p.Cys997Arg (NM_001105243.2); c.2986T>C, p.Cys996Arg (NM_020766.3); short protein forms C996R, C997R, C1044R.
Identifiers: ClinVar variation 4748625 (VCV004748625.1).

ClinVar aggregate classification (germline): Uncertain significance (1 of 4 stars; one submission).

Conditions:
Developmental and epileptic encephalopathy, 9 (DEE9). Also called: EPILEPSY, FEMALE-RESTRICTED, WITH MENTAL RETARDATION; Early infantile epileptic encephalopathy 9; JUBERG-HELLMAN SYNDROME; PCDH19-Related X-Linked Female-Limited Epilepsy with Mental Retardation. Identifiers: Orphanet 101039, Orphanet 2076, MedGen C1848137, MONDO:0010246, OMIM 300088. Disease mechanism: loss of function.

Submission:

Labcorp Genetics (formerly Invitae), Labcorp
Classification: Uncertain significance for Developmental and epileptic encephalopathy, 9. Last evaluated: 2025-03-09. Review status: criteria provided, single submitter. Criteria: Invitae Variant Classification Sherloc (09022015). Collection method: clinical testing. Allele origin: germline.
Comment: This sequence change replaces cysteine, which is neutral and slightly polar, with arginine, which is basic and polar, at codon 1044 of the PCDH19 protein (p.Cys1044Arg). This variant is not present in population databases (gnomAD no frequency). This variant has not been reported in the literature in individuals affected with PCDH19-related conditions. Invitae Evidence Modeling of protein sequence and biophysical properties (such as structural, functional, and spatial information, amino acid conservation, physicochemical variation, residue mobility, and thermodynamic stability) indicates that this missense variant is not expected to disrupt PCDH19 protein function with a negative predictive value of 95%. In summary, the available evidence is currently insufficient to determine the role of this variant in disease. Therefore, it has been classified as a Variant of Uncertain Significance.